The following is an entry in ClinVar:

NM_001184880.2(PCDH19):c.706C>T (p.Pro236Ser)

Gene: PCDH19 (protocadherin 19; minus strand). Cytogenetic location: Xq22.1.
Variant type: single nucleotide variant.
Coding change: c.706C>T on transcript NM_001184880.2 (MANE Select); coding-DNA position 706, C replaced by T.
Protein change: p.Pro236Ser; replaces proline 236 with serine.
Molecular consequence: missense variant.
Genome position (GRCh38, 1-based): chrX:100,407,892, G>A on the plus strand (C>T on the coding strand, the complement: PCDH19 is on the minus strand). VCF-style: chrX-100407892-G-A. GRCh37 (hg19) VCF-style: chrX-99662890-G-A.
Other names: c.706C>T, p.Pro236Ser (NM_001105243.2, NM_020766.3); short protein forms P236S.
Identifiers: ClinVar variation 948780 (VCV000948780.43), dbSNP rs1928437614, ClinGen allele CA414008547.

ClinVar aggregate classification (germline): Pathogenic. Review status: criteria provided, multiple submitters, no conflicts (2 of 4 stars). 3 submissions from 3 submitters: Pathogenic (3). Last evaluated 2025-08-04.

Conditions:
Developmental and epileptic encephalopathy, 9 (DEE9). Also called: JUBERG-HELLMAN SYNDROME; Early infantile epileptic encephalopathy 9; PCDH19-Related X-Linked Female-Limited Epilepsy with Mental Retardation; EPILEPSY, FEMALE-RESTRICTED, WITH MENTAL RETARDATION. Identifiers: Orphanet 101039, Orphanet 2076, MedGen C1848137, MONDO:0010246, OMIM 300088. Disease mechanism: loss of function.

Submissions (3):

GeneDx
Classification: Pathogenic. Last evaluated: 2025-08-04. Review status: criteria provided, single submitter. Criteria: GeneDx Variant Classification Process June 2021. Collection method: clinical testing. Allele origin: germline. Affected: yes.
Comment: Not observed at significant frequency in large population cohorts (gnomAD); In silico analysis supports that this missense variant has a deleterious effect on protein structure/function; This variant is associated with the following publications: (PMID: 23334464, 34120799, 22267240, 22946748, 25499160, 29933145, 30451291, 30977854, 26993267, 32425876, 21480887)

Labcorp Genetics (formerly Invitae), Labcorp
Classification: Pathogenic for Developmental and epileptic encephalopathy, 9. Last evaluated: 2024-04-17. Review status: criteria provided, single submitter. Criteria: Invitae Variant Classification Sherloc (09022015). Collection method: clinical testing. Allele origin: germline.
Comment: This sequence change replaces proline, which is neutral and non-polar, with serine, which is neutral and polar, at codon 236 of the PCDH19 protein (p.Pro236Ser). This variant is not present in population databases (gnomAD no frequency). This missense change has been observed in individual(s) with clinical features of developmental and epileptic encephalopathy (PMID: 21480887). In at least one individual the variant was observed to be de novo. ClinVar contains an entry for this variant (Variation ID: 948780). Advanced modeling of protein sequence and biophysical properties (such as structural, functional, and spatial information, amino acid conservation, physicochemical variation, residue mobility, and thermodynamic stability) performed at Invitae indicates that this missense variant is expected to disrupt PCDH19 protein function with a positive predictive value of 95%. This variant disrupts the p.Pro236 amino acid residue in PCDH19. Other variant(s) that disrupt this residue have been observed in individuals with PCDH19-related conditions (PMID: 26993267; Invitae), which suggests that this may be a clinically significant amino acid residue. For these reasons, this variant has been classified as Pathogenic.

CeGaT Center for Human Genetics Tuebingen
Classification: Pathogenic. Last evaluated: 2021-03-01. Review status: criteria provided, single submitter. Criteria: CeGaT Center For Human Genetics Tuebingen Variant Classification Criteria Version 2. Collection method: clinical testing. Allele origin: germline. Affected: yes. Observed: 1 variant allele.

Literature cited by the submitters: PubMed 21480887 (cited by Labcorp Genetics (formerly Invitae), Labcorp); PubMed 26993267 (cited by Labcorp Genetics (formerly Invitae), Labcorp).